The following is an entry in ClinVar:

ClinVar aggregate classification (germline): Likely pathogenic (1 of 4 stars; one submission).

Conditions:
Becker muscular dystrophy, Cardiomyopathy, Duchenne muscular dystrophy, Dystrophin deficiency.

Submission:

Natera, Inc.
Classification: Likely pathogenic for Becker muscular dystrophy, Cardiomyopathy, Duchenne muscular dystrophy, Dystrophin deficiency. Last evaluated: 2024-11-02. Review status: criteria provided, single submitter. Criteria: Natera Variant Classification Schema (03/2026). Collection method: clinical testing. Allele origin: germline.
Comment: The c.8547+1del variant in DMD is a canonical splice donor site variant predicted to affect pre-mRNA splicing, which may result in an abnormal transcript and altered protein product. This variant is expected to result in nonsense mediated decay, truncation, or a dysfunctional protein product. This variant is rare in the general population with a frequency below the threshold expected for the associated phenotype(s). Given the available evidence, this variant is classified as Likely Pathogenic.

NM_004006.3(DMD):c.8547+1del

Gene: DMD (dystrophin; minus strand). Cytogenetic location: Xp21.2.
Variant type: Deletion.
Coding change: c.8547+1del on transcript NM_004006.3 (MANE Select); the canonical splice donor site of the intron after coding-DNA position 8547, one base deleted (G; older notation c.8547+1delG).
Molecular consequence: splice donor variant.
Genome position (GRCh38, 1-based): chrX:31,496,787, C deleted on the plus strand (G on the coding strand, the reverse complement: DMD is on the minus strand); the first of 3 consecutive C bases (chrX:31,496,787-31,496,789); deleting any one gives the same sequence. VCF-style (leftmost placement, unchanged base first): chrX-31496786-AC-A. GRCh37 (hg19) VCF-style: chrX-31514903-AC-A.
Other names: c.8523+1del (NM_000109.4); c.4524+1del (NM_004011.4); c.4515+1del (NM_004012.4); c.1167+1del (NM_004023.3, NM_004020.4, NM_004022.3 and 2 more transcripts); c.360+1del (NM_004014.3); c.8535+1del (NM_004009.3); c.8178+1del (NM_004010.3).
Identifiers: ClinVar variation 4815320 (VCV004815320.1).
Genomic context (GRCh38, chrX:31,496,786, plus strand): 5'-AATAGTCACTGGATTACTATGTGCTTAACATGTGCAAGGCACGAGGCTTAAAAATGTCCT[AC>A]CCTATGTACATCGTTCTGCTTCTGAACTGCTGGAAAGTCGCCTCCAATAGGTGCCTGCCG-3'